The following is an entry in ClinVar:

NM_001360.3(DHCR7):c.1381C>T (p.Arg461Cys)

Gene: DHCR7 (7-dehydrocholesterol reductase; minus strand). Cytogenetic location: 11q13.4.
Variant type: single nucleotide variant.
Coding change: c.1381C>T on transcript NM_001360.3 (MANE Select); coding-DNA position 1381, C replaced by T.
Protein change: p.Arg461Cys; replaces arginine 461 with cysteine.
Molecular consequence: missense variant.
Genome position (GRCh38, 1-based): chr11:71,435,422, G>A on the plus strand (C>T on the coding strand, the complement: DHCR7 is on the minus strand). VCF-style: chr11-71435422-G-A. GRCh37 (hg19) VCF-style: chr11-71146468-G-A.
Other names: c.1381C>T, p.Arg461Cys (NM_001163817.2); short protein forms R461C.
Identifiers: ClinVar variation 305952 (VCV000305952.26), dbSNP rs199506852, ClinGen allele CA6162242.

ClinVar aggregate classification (germline): Uncertain significance. Review status: criteria provided, multiple submitters, no conflicts (2 of 4 stars). 12 submissions from 12 submitters: Uncertain significance (11). 1 of the submissions does not count toward it. Last evaluated 2026-08-31.

Conditions:
Inborn genetic diseases. Identifiers: MedGen C0950123, MeSH D030342.
DHCR7-related disorder. Also called: DHCR7-related condition.
Smith-Lemli-Opitz syndrome (SLOS). Also called: 7-Dehydrocholesterol reductase deficiency; LETHAL ACRODYSGENITAL SYNDROME; POLYDACTYLY, SEX REVERSAL, RENAL HYPOPLASIA, AND UNILOBAR LUNG; RSH SYNDROME; RUTLEDGE LETHAL MULTIPLE CONGENITAL ANOMALY SYNDROME. Identifiers: Orphanet 818, MedGen C0175694, MONDO:0010035, OMIM 270400.

Allele frequency attached by ClinVar (database versions not stated): gnomAD exomes 0.00004 and 0.00016; gnomAD 0.00006 and 0.00010; TOPMed 0.00007; ExAC 0.00014; 1000 Genomes Project 0.00120; 1000 Genomes Project 30x 0.00125.
gnomAD v4.1: 104 of 1,612,604 alleles (0.0064%); highest among the groups gnomAD compares: East Asian, 0.11%; 1 homozygote.

Submissions (12):

PreventionGenetics, part of Exact Sciences
Classification: Uncertain significance for DHCR7-related condition. Last evaluated: 2026-08-31. Review status: criteria provided, single submitter. Criteria: ACMG Guidelines, 2015. Collection method: clinical testing. Allele origin: germline.
Comment: The DHCR7 c.1381C>T variant is predicted to result in the amino acid substitution p.Arg461Cys. This variant was reported in an individual with Smith-Lemli-Opitz syndrome (Cross et al. 2015. PubMed ID: 24813812), and in individuals in a general psychiatric cohort study (Sriretnakumar et al. 2024. PubMed ID: 38532509). This variant was identified in an individual with intrahepatic cholestasis, but an alternative genetic cause was identified for their condition (P5 in Supplementary Table S1, Zhang et al. 2020. PubMed ID: 32124521). This variant is reported in 0.18% of alleles in individuals of East Asian descent in gnomAD. Although we suspect that this variant may be benign, at this time, the clinical significance of this variant is uncertain due to the absence of conclusive functional and genetic evidence.

Women's Health and Genetics/Laboratory Corporation of America, LabCorp
Classification: Uncertain significance. Last evaluated: 2026-01-05. Review status: criteria provided, single submitter. Criteria: LabCorp Variant Classification Summary - May 2015. Collection method: clinical testing. Allele origin: germline.
Comment: Variant summary: DHCR7 c.1381C>T (p.Arg461Cys) results in a non-conservative amino acid change in the encoded protein sequence. Algorithms developed to predict the effect of missense changes on protein structure and function all suggest that this variant is likely to be disruptive. The variant allele was found at a frequency of 0.00016 in 247346 control chromosomes. This frequency is not significantly higher than estimated for disease-causing variants in DHCR7, allowing no conclusion about variant significance. To our knowledge, no occurrence of c.1381C>T in individuals affected with DHCR7-related conditions and no experimental evidence demonstrating its impact on protein function have been reported. ClinVar contains an entry for this variant (Variation ID: 305952). Based on the evidence outlined above, the variant was classified as uncertain significance.

Labcorp Genetics (formerly Invitae), Labcorp
Classification: Uncertain significance for Smith-Lemli-Opitz syndrome. Last evaluated: 2025-01-16. Review status: criteria provided, single submitter. Criteria: Invitae Variant Classification Sherloc (09022015). Collection method: clinical testing. Allele origin: germline.
Comment: This sequence change replaces arginine, which is basic and polar, with cysteine, which is neutral and slightly polar, at codon 461 of the DHCR7 protein (p.Arg461Cys). This variant is present in population databases (rs199506852, gnomAD 0.2%). This variant has not been reported in the literature in individuals affected with DHCR7-related conditions. ClinVar contains an entry for this variant (Variation ID: 305952). Invitae Evidence Modeling of protein sequence and biophysical properties (such as structural, functional, and spatial information, amino acid conservation, physicochemical variation, residue mobility, and thermodynamic stability) has been performed for this missense variant. However, the output from this modeling did not meet the statistical confidence thresholds required to predict the impact of this variant on DHCR7 protein function. In summary, the available evidence is currently insufficient to determine the role of this variant in disease. Therefore, it has been classified as a Variant of Uncertain Significance.

Fulgent Genetics
Classification: Uncertain significance for Smith-Lemli-Opitz syndrome. Last evaluated: 2024-02-23. Review status: criteria provided, single submitter. Criteria: ACMG Guidelines, 2015. Collection method: clinical testing. Allele origin: germline.

Blueprint Genetics
Classification: Uncertain significance. Last evaluated: 2023-10-06. Review status: criteria provided, single submitter. Criteria: ACMG Guidelines, 2015. Collection method: clinical testing. Allele origin: germline.

Victorian Clinical Genetics Services, Murdoch Childrens Research Institute
Classification: Uncertain significance for Smith-Lemli-Opitz syndrome. Last evaluated: 2022-02-02. Review status: criteria provided, single submitter. Criteria: ACMG Guidelines, 2015. Collection method: clinical testing. Allele origin: germline. Inheritance: Autosomal recessive inheritance. Affected: yes.
Comment: Based on the classification scheme VCGS_Germline_v1.3.4, this variant is classified as VUS-3B. Following criteria are met: 0102 - Loss of function is a known mechanism of disease in this gene and is associated with Smith-Lemli-Opitz syndrome (MIM#270400). (I) 0106 - This gene is associated with autosomal recessive disease. (I) 0200 - Variant is predicted to result in a missense amino acid change from arginine to cysteine. (I) 0251 - This variant is heterozygous. (I) 0304 - Variant is present in gnomAD (v2) <0.01 for a recessive condition (44 heterozygotes, 0 homozygote). (SP) 0309 - An alternative amino acid change at the same position has been observed in gnomAD (v2) (1 heterozygote, 0 homozygotes). (I) 0501 - Missense variant consistently predicted to be damaging by multiple in silico tools or highly conserved with a major amino acid change. (SP) 0600 - Variant is located in the annotated ergosterol biosynthesis ERG4/ERG24 family domain (DECIPHER). (I) 0705 - No comparable missense variants have previous evidence for pathogenicity. (I) 0809 - Previous evidence of pathogenicity for this variant is inconclusive. This variant has been reported several times as a VUS (ClinVar). (I) 0905 - No published segregation evidence has been identified for this variant. (I) 1007 - No published functional evidence has been identified for this variant. (I) 1208 - Inheritance information for this variant is not currently available in this individual. (I) Legend: (SP) - Supporting pathogenic, (I) - Information, (SB) - Supporting benign

GeneDx
Classification: Uncertain significance. Last evaluated: 2020-08-13. Review status: criteria provided, single submitter. Criteria: GeneDx Variant Classification Process June 2021. Collection method: clinical testing. Allele origin: germline. Affected: yes.
Comment: The majority of missense variants in this gene are considered pathogenic (Stenson et al., 2014); In silico analysis, which includes protein predictors and evolutionary conservation, supports a deleterious effect; Has not been previously reported as pathogenic or benign to our knowledge; This variant is associated with the following publications: (PMID: 29300326, 24813812)

Ambry Genetics
Classification: Uncertain significance for Inborn genetic diseases. Last evaluated: 2018-06-20. Review status: criteria provided, single submitter. Criteria: Ambry Variant Classification Scheme 2023. Collection method: clinical testing. Allele origin: germline.
Comment: The p.R461C variant (also known as c.1381C>T), located in coding exon 7 of the DHCR7 gene, results from a C to T substitution at nucleotide position 1381. The arginine at codon 461 is replaced by cysteine, an amino acid with highly dissimilar properties. This variant was reported a non-pathogenic in one study based on computational analysies (Peng Y et al. Int J Mol Sci, 2018 Jan;19(1):141). This amino acid position is well conserved in available vertebrate species. In addition, this alteration is predicted to be deleterious by in silico analysis. Based on available evidence to date, the clinical significance of this alteration remains unclear.

Eurofins Ntd Llc (ga)
Classification: Uncertain significance. Last evaluated: 2018-02-08. Review status: criteria provided, single submitter. Criteria: EGL Classification Definitions 2015. Collection method: clinical testing. Allele origin: germline. Observed: 2 variant alleles, 2 heterozygotes.

Illumina Laboratory Services, Illumina
Classification: Uncertain significance for Smith-Lemli-Opitz syndrome. Last evaluated: 2018-01-12. Review status: criteria provided, single submitter. Criteria: ICSL Variant Classification Criteria 13 December 2019. Collection method: clinical testing. Allele origin: germline.

Genetic Services Laboratory, University of Chicago
Classification: Uncertain significance. Last evaluated: 2016-10-31. Review status: criteria provided, single submitter. Criteria: ACMG Guidelines, 2015. Collection method: clinical testing. Allele origin: germline. Affected: no.

Natera, Inc.
Classification: Uncertain significance for Smith-Lemli-Opitz syndrome. Last evaluated: 2017-05-04. Review status: no assertion criteria provided. Collection method: clinical testing. Allele origin: germline. Not counted in ClinVar's aggregate classification.

Literature cited by the submitters: PubMed 24813812 (cited by Ambry Genetics); PubMed 29300326 (cited by Ambry Genetics).